The following is an entry in ClinVar:

NM_001130438.3(SPTAN1):c.7131G>A (p.Glu2377=)

Gene: SPTAN1 (spectrin alpha, non-erythrocytic 1; plus strand). Cytogenetic location: 9q34.11.
Variant type: single nucleotide variant.
Coding change: c.7131G>A on transcript NM_001130438.3 (MANE Select); coding-DNA position 7131, G replaced by A.
Protein change: p.Glu2377=; no amino-acid change (glutamic acid 2377 retained).
Molecular consequence: synonymous variant.
Genome position (GRCh38, 1-based): chr9:128,632,689, G>A. VCF-style: chr9-128632689-G-A. GRCh37 (hg19) VCF-style: chr9-131394968-G-A.
Other names: c.7056G>A, p.Glu2352= (NM_001195532.2); c.7194G>A, p.Glu2398= (NM_001363759.2); c.7071G>A, p.Glu2357= (NM_001363765.2, NM_001375314.2); c.7218G>A, p.Glu2406= (NM_001375310.1); c.7131G>A, p.Glu2377= (NM_001375311.2); c.7167G>A, p.Glu2389= (NM_001375312.2); c.7113G>A, p.Glu2371= (NM_001375313.1); c.7230G>A, p.Glu2410= (NM_001375318.1); and 1 more.
Identifiers: ClinVar variation 1566348 (VCV001566348.11), dbSNP rs1177783409, ClinGen allele CA467485325.

ClinVar aggregate classification (germline): Likely benign. Review status: criteria provided, multiple submitters, no conflicts (2 of 4 stars). 2 submissions from 2 submitters: Likely benign (2). Last evaluated 2026-06-01.

Conditions:
Early-infantile DEE. Also called: Ohtahara syndrome; Early infantile epileptic encephalopathy with suppression bursts; Early infantile epileptic encephalopathy. Identifiers: Orphanet 1934, MedGen C0393706, MONDO:0800491.

Allele frequency attached by ClinVar (database versions not stated): gnomAD exomes below 0.00001.
gnomAD v4.1: 1 of 1,614,018 alleles (0.000062%); highest among the groups gnomAD compares: Admixed American, 0.0017%; no homozygotes.

Submissions (2):

CeGaT Center for Human Genetics Tuebingen
Classification: Likely benign. Last evaluated: 2026-06-01. Review status: criteria provided, single submitter. Criteria: CeGaT Center For Human Genetics Tuebingen Variant Classification Criteria Version 2. Collection method: clinical testing. Allele origin: germline. Affected: yes. Observed: 1 variant allele.
Comment: SPTAN1: BP4, BP7

Labcorp Genetics (formerly Invitae), Labcorp
Classification: Likely benign for Early-infantile DEE. Last evaluated: 2025-10-20. Review status: criteria provided, single submitter. Criteria: Invitae Variant Classification Sherloc (09022015). Collection method: clinical testing. Allele origin: germline.